The following is an entry in ClinVar:

ClinVar aggregate classification (germline): Uncertain significance (1 of 4 stars; one submission).

Conditions:
Fraser syndrome 1 (FRASRS1). Also called: CRYPTOPHTHALMOS WITH OTHER MALFORMATIONS. Identifiers: Orphanet 2052, MedGen C4551480, MONDO:0054737, OMIM 219000.

Submission:

MVZ Praenatalmedizin und Genetik Nuernberg
Classification: Uncertain significance for Fraser syndrome 1. Last evaluated: 2024-06-19. Review status: criteria provided, single submitter. Criteria: ACMG Guidelines, 2015. Collection method: clinical testing. Allele origin: germline.
Comment: c.1910_1911delinsTC is located in exon 17 and leads to a substitution of the conserved amino acid cysteine for phenylalanine (p.(Cys637Phe)). In silico predictions indicate a pathogenic effect of this variant (CADD 24.7, REVEL 0.859, MetaRNN 0.979, Grantham 205, GERP 5.71). In summary, based on the current data, we consider this to be a variant of uncertain clinical significance (VUS).

NM_025074.7(FRAS1):c.1910_1911delinsTC (p.Cys637Phe)

Gene: FRAS1 (Fraser extracellular matrix complex subunit 1; plus strand). Cytogenetic location: 4q21.21.
Variant type: Indel.
Coding change: c.1910_1911delinsTC on transcript NM_025074.7 (MANE Select); coding-DNA positions 1910 to 1911, GT replaced by TC.
Protein change: p.Cys637Phe; replaces cysteine 637 with phenylalanine.
Molecular consequence: missense variant.
Genome position (GRCh38, 1-based): chr4:78,317,458-78,317,459, GT replaced by TC. VCF-style: chr4-78317458-GT-TC. GRCh37 (hg19) VCF-style: chr4-79238612-GT-TC.
Other names: c.1910_1911delinsTC, p.Cys637Phe (NM_001166133.2); short protein forms C637F.
Identifiers: ClinVar variation 4813478 (VCV004813478.1).